The following is an entry in ClinVar:

NM_006659.4(TUBGCP2):c.848T>G (p.Phe283Cys)

Genes: TUBGCP2 (tubulin gamma complex component 2; minus strand), LOC126861106 (P300/CBP strongly-dependent group 1 enhancer GRCh37_chr10:135106330-135107529; plus strand). Cytogenetic location: 10q26.3.
Variant type: single nucleotide variant.
Coding change: c.848T>G on transcript NM_006659.4 (MANE Select); coding-DNA position 848, T replaced by G.
Protein change: p.Phe283Cys; replaces phenylalanine 283 with cysteine.
Molecular consequence: missense variant. On other transcripts: non-coding transcript variant (1).
Genome position (GRCh38, 1-based): chr10:133,293,215, A>C on the plus strand (T>G on the coding strand, the complement: TUBGCP2 is on the minus strand). VCF-style: chr10-133293215-A-C. GRCh37 (hg19) VCF-style: chr10-135106719-A-C.
Other names: c.932T>G, p.Phe311Cys (NM_001256617.2); c.458T>G, p.Phe153Cys (NM_001256618.2); c.932T>G (NM_001256617.1); short protein forms F311C, F153C, F283C.
Identifiers: ClinVar variation 3184795 (VCV003184795.2), dbSNP rs564190437, ClinGen allele CA5764343.

ClinVar aggregate classification (germline): Uncertain significance. Review status: criteria provided, multiple submitters, no conflicts (2 of 4 stars). 2 submissions from 2 submitters: Uncertain significance (2). Last evaluated 2023-12-17.

Allele frequency attached by ClinVar (database versions not stated): ExAC 0.00002; TOPMed 0.00002; gnomAD 0.00004; gnomAD exomes 0.00009; 1000 Genomes Project 30x 0.00016; 1000 Genomes Project 0.00020.
gnomAD v4.1: 135 of 1,613,684 alleles (0.0084%); highest among the groups gnomAD compares: Non-Finnish European, 0.011%; no homozygotes.

Submissions (2):

Ambry Genetics
Classification: Uncertain significance. Last evaluated: 2023-12-17. Review status: criteria provided, single submitter. Criteria: Ambry Variant Classification Scheme 2023. Collection method: clinical testing. Allele origin: germline.

GeneDx
Classification: Uncertain significance. Last evaluated: 2023-12-14. Review status: criteria provided, single submitter. Criteria: GeneDx Variant Classification Process June 2021. Collection method: clinical testing. Allele origin: germline. Affected: yes.
Comment: In silico analysis supports that this missense variant has a deleterious effect on protein structure/function; Has not been previously published as pathogenic or benign to our knowledge